The following is an entry in ClinVar:

NM_206933.4(USH2A):c.6785C>G (p.Thr2262Ser)

Gene: USH2A (usherin; minus strand). Cytogenetic location: 1q41.
Variant type: single nucleotide variant.
Coding change: c.6785C>G on transcript NM_206933.4 (MANE Select); coding-DNA position 6785, C replaced by G.
Protein change: p.Thr2262Ser; replaces threonine 2262 with serine.
Molecular consequence: missense variant.
Genome position (GRCh38, 1-based): chr1:215,993,040, G>C on the plus strand (C>G on the coding strand, the complement: USH2A is on the minus strand). VCF-style: chr1-215993040-G-C. GRCh37 (hg19) VCF-style: chr1-216166382-G-C.
Other names: short protein forms T2262S.
Identifiers: ClinVar variation 1402784 (VCV001402784.8), dbSNP rs2102476644, ClinGen allele CA344860212.

ClinVar aggregate classification (germline): Uncertain significance (1 of 4 stars; one submission).

Submission:

Labcorp Genetics (formerly Invitae), Labcorp
Classification: Uncertain significance. Last evaluated: 2021-06-24. Review status: criteria provided, single submitter. Criteria: Invitae Variant Classification Sherloc (09022015). Collection method: clinical testing. Allele origin: germline.
Comment: This sequence change replaces threonine with serine at codon 2262 of the USH2A protein (p.Thr2262Ser). The threonine residue is highly conserved and there is a small physicochemical difference between threonine and serine. This variant is not present in population databases (ExAC no frequency). This variant has not been reported in the literature in individuals affected with USH2A-related conditions. Algorithms developed to predict the effect of missense changes on protein structure and function output the following: SIFT: "Tolerated"; PolyPhen-2: "Benign"; Align-GVGD: "Class C0". The serine amino acid residue is found in multiple mammalian species, which suggests that this missense change does not adversely affect protein function. Algorithms developed to predict the effect of sequence changes on RNA splicing suggest that this variant may create or strengthen a splice site. In summary, the available evidence is currently insufficient to determine the role of this variant in disease. Therefore, it has been classified as a Variant of Uncertain Significance.